The following is an entry in ClinVar:

ClinVar aggregate classification (germline): Uncertain significance (1 of 4 stars; one submission).

Allele frequency attached by ClinVar (database versions not stated): ExAC 0.00001; ESP Exome Variant Server 0.00008.
gnomAD v4.1: 5 of 1,614,042 alleles (0.00031%); highest among the groups gnomAD compares: Non-Finnish European, 0.00034%; no homozygotes.

Submission:

Labcorp Genetics (formerly Invitae), Labcorp
Classification: Uncertain significance. Last evaluated: 2022-03-01. Review status: criteria provided, single submitter. Criteria: Invitae Variant Classification Sherloc (09022015). Collection method: clinical testing. Allele origin: germline.
Comment: This sequence change replaces arginine, which is basic and polar, with tryptophan, which is neutral and slightly polar, at codon 260 of the FCHO1 protein (p.Arg260Trp). This variant is present in population databases (rs145070739, gnomAD 0.0009%). This variant has not been reported in the literature in individuals affected with FCHO1-related conditions. Algorithms developed to predict the effect of missense changes on protein structure and function are either unavailable or do not agree on the potential impact of this missense change (SIFT: "Deleterious"; PolyPhen-2: "Possibly Damaging"; Align-GVGD: "Class C0"). Algorithms developed to predict the effect of sequence changes on RNA splicing suggest that this variant may create or strengthen a splice site. In summary, the available evidence is currently insufficient to determine the role of this variant in disease. Therefore, it has been classified as a Variant of Uncertain Significance.

NM_015122.3(FCHO1):c.778C>T (p.Arg260Trp)

Gene: FCHO1 (FCH and mu domain containing endocytic adaptor 1; plus strand). Cytogenetic location: 19p13.11.
Variant type: single nucleotide variant.
Coding change: c.778C>T on transcript NM_015122.3 (MANE Select); coding-DNA position 778, C replaced by T.
Protein change: p.Arg260Trp; replaces arginine 260 with tryptophan.
Molecular consequence: missense variant. On other transcripts: non-coding transcript variant (34).
Genome position (GRCh38, 1-based): chr19:17,772,729, C>T. VCF-style: chr19-17772729-C-T. GRCh37 (hg19) VCF-style: chr19-17883538-C-T.
Other names: c.778C>T, p.Arg260Trp (NM_001161357.2, NM_001161358.2, NM_001384370.1 and 26 more transcripts); c.628C>T, p.Arg210Trp (NM_001161359.2, NM_001384384.1, NM_001384385.1 and 3 more transcripts); c.739C>T, p.Arg247Trp (NM_001384388.1, NM_001384389.1, NM_001384405.1); c.703C>T, p.Arg235Trp (NM_001384390.1); short protein forms R260W, R210W, R247W, R235W.
Identifiers: ClinVar variation 2094581 (VCV002094581.1), dbSNP rs145070739, ClinGen allele CA9300206.